The following is an entry in ClinVar:

ClinVar aggregate classification (germline): Uncertain significance (1 of 4 stars; one submission).

Submission:

GeneDx
Classification: Uncertain significance. Last evaluated: 2024-03-01. Review status: criteria provided, single submitter. Criteria: GeneDx Variant Classification Process June 2021. Collection method: clinical testing. Allele origin: germline. Affected: yes.
Comment: Not observed at significant frequency in large population cohorts (gnomAD); In silico analysis supports that this missense variant has a deleterious effect on protein structure/function; Has not been previously published as pathogenic or benign to our knowledge

NM_078629.4(MSL3):c.1387C>G (p.Leu463Val)

Gene: MSL3 (MSL complex subunit 3; plus strand). Cytogenetic location: Xp22.2.
Variant type: single nucleotide variant.
Coding change: c.1387C>G on transcript NM_078629.4 (MANE Select); coding-DNA position 1387, C replaced by G.
Protein change: p.Leu463Val; replaces leucine 463 with valine.
Molecular consequence: missense variant.
Genome position (GRCh38, 1-based): chrX:11,772,626, C>G. VCF-style: chrX-11772626-C-G. GRCh37 (hg19) VCF-style: chrX-11790745-C-G.
Other names: c.1351C>G, p.Leu451Val (NM_001193270.2); c.940C>G, p.Leu314Val (NM_001282174.1); c.889C>G, p.Leu297Val (NM_006800.4); short protein forms L297V, L314V, L451V, L463V.
Identifiers: ClinVar variation 3360828 (VCV003360828.1).